The following is an entry in ClinVar:

ClinVar aggregate classification (germline): Uncertain significance. Review status: criteria provided, multiple submitters, no conflicts (2 of 4 stars). 2 submissions from 2 submitters: Uncertain significance (2). Last evaluated 2025-11-28.

Conditions:
Hypertrophic cardiomyopathy 19. Also called: Familial hypertrophic cardiomyopathy 19. Identifiers: MedGen CN077603, MONDO:0013476.

Allele frequency attached by ClinVar (database versions not stated): TOPMed below 0.00001.

Submissions (2):

Labcorp Genetics (formerly Invitae), Labcorp
Classification: Uncertain significance for Hypertrophic cardiomyopathy 19. Last evaluated: 2025-11-28. Review status: criteria provided, single submitter. Criteria: Invitae Variant Classification Sherloc (09022015). Collection method: clinical testing. Allele origin: germline.
Comment: This sequence change replaces histidine, which is basic and polar, with arginine, which is basic and polar, at codon 271 of the CALR3 protein (p.His271Arg). This variant is not present in population databases (gnomAD no frequency). This variant has not been reported in the literature in individuals affected with CALR3-related conditions. ClinVar contains an entry for this variant (Variation ID: 2240022). Invitae Evidence Modeling of protein sequence and biophysical properties (such as structural, functional, and spatial information, amino acid conservation, physicochemical variation, residue mobility, and thermodynamic stability) indicates that this missense variant is not expected to disrupt CALR3 protein function with a negative predictive value of 80%. In summary, the available evidence is currently insufficient to determine the role of this variant in disease. Therefore, it has been classified as a Variant of Uncertain Significance.

Ambry Genetics
Classification: Uncertain significance. Last evaluated: 2021-08-02. Review status: criteria provided, single submitter. Criteria: Ambry Variant Classification Scheme 2023. Collection method: clinical testing. Allele origin: germline.

NM_145046.5(CALR3):c.812A>G (p.His271Arg)

Gene: CALR3 (calreticulin 3; minus strand). Cytogenetic location: 19p13.11.
Variant type: single nucleotide variant.
Coding change: c.812A>G on transcript NM_145046.5 (MANE Select); coding-DNA position 812, A replaced by G.
Protein change: p.His271Arg; replaces histidine 271 with arginine.
Molecular consequence: missense variant.
Genome position (GRCh38, 1-based): chr19:16,482,556, T>C on the plus strand (A>G on the coding strand, the complement: CALR3 is on the minus strand). VCF-style: chr19-16482556-T-C. GRCh37 (hg19) VCF-style: chr19-16593367-T-C.
Other names: short protein forms H271R.
Identifiers: ClinVar variation 2240022 (VCV002240022.4), dbSNP rs1306282315, ClinGen allele CA404608031.